The following is an entry in ClinVar:

ClinVar aggregate classification (germline): Uncertain significance (1 of 4 stars; one submission).

Conditions:
Developmental and epileptic encephalopathy 94 (DEE94). Also called: CHD2-Related Neurodevelopmental Disorders; Epileptic encephalopathy, childhood-onset. Identifiers: Orphanet 1942, Orphanet 2382, MedGen C3809278, MONDO:0014150, OMIM 615369.

Allele frequency attached by ClinVar (database versions not stated): gnomAD 0.00002; gnomAD exomes 0.00003; ExAC 0.00004; 1000 Genomes Project 30x 0.00031; 1000 Genomes Project 0.00040.
gnomAD v4.1: 21 of 1,586,586 alleles (0.0013%); highest among the groups gnomAD compares: South Asian, 0.025%; 1 homozygote.

Submission:

Labcorp Genetics (formerly Invitae), Labcorp
Classification: Uncertain significance for Developmental and epileptic encephalopathy 94. Last evaluated: 2024-03-05. Review status: criteria provided, single submitter. Criteria: Invitae Variant Classification Sherloc (09022015). Collection method: clinical testing. Allele origin: germline.
Comment: This sequence change replaces glycine, which is neutral and non-polar, with valine, which is neutral and non-polar, at codon 1382 of the CHD2 protein (p.Gly1382Val). This variant is present in population databases (rs571992456, gnomAD 0.02%). This variant has not been reported in the literature in individuals affected with CHD2-related conditions. ClinVar contains an entry for this variant (Variation ID: 2188436). Advanced modeling of protein sequence and biophysical properties (such as structural, functional, and spatial information, amino acid conservation, physicochemical variation, residue mobility, and thermodynamic stability) performed at Invitae indicates that this missense variant is not expected to disrupt CHD2 protein function with a negative predictive value of 95%. In summary, the available evidence is currently insufficient to determine the role of this variant in disease. Therefore, it has been classified as a Variant of Uncertain Significance.

NM_001271.4(CHD2):c.4145G>T (p.Gly1382Val)

Gene: CHD2 (chromodomain helicase DNA binding protein 2; plus strand). Cytogenetic location: 15q26.1.
Variant type: single nucleotide variant.
Coding change: c.4145G>T on transcript NM_001271.4 (MANE Select); coding-DNA position 4145, G replaced by T.
Protein change: p.Gly1382Val; replaces glycine 1382 with valine.
Molecular consequence: missense variant.
Genome position (GRCh38, 1-based): chr15:93,002,184, G>T. VCF-style: chr15-93002184-G-T. GRCh37 (hg19) VCF-style: chr15-93545414-G-T.
Other names: short protein forms G1382V.
Identifiers: ClinVar variation 2188436 (VCV002188436.4), dbSNP rs571992456, ClinGen allele CA7748400.